The following is an entry in ClinVar:

ClinVar aggregate classification (germline): Uncertain significance (1 of 4 stars; one submission).

Conditions:
Hereditary hemorrhagic telangiectasia (HHT). Also called: Osler hemorrhagic telangiectasia syndrome; ORW DISEASE; Osler Weber Rendu syndrome; OSLER-RENDU-WEBER DISEASE. Identifiers: Orphanet 774, MedGen C0039445, MONDO:0019180. Disease mechanism: loss of function.

Allele frequency attached by ClinVar (database versions not stated): TOPMed below 0.00001.

Submission:

Labcorp Genetics (formerly Invitae), Labcorp
Classification: Uncertain significance for Hereditary hemorrhagic telangiectasia. Last evaluated: 2020-10-08. Review status: criteria provided, single submitter. Criteria: Invitae Variant Classification Sherloc (09022015). Collection method: clinical testing. Allele origin: germline.
Comment: In summary, the available evidence is currently insufficient to determine the role of this variant in disease. Therefore, it has been classified as a Variant of Uncertain Significance. Algorithms developed to predict the effect of missense changes on protein structure and function (SIFT, PolyPhen-2, Align-GVGD) all suggest that this variant is likely to be tolerated, but these predictions have not been confirmed by published functional studies and their clinical significance is uncertain. This sequence change replaces asparagine with aspartic acid at codon 465 of the ENG protein (p.Asn465Asp). The asparagine residue is moderately conserved and there is a small physicochemical difference between asparagine and aspartic acid. This variant is not present in population databases (ExAC no frequency). This variant has not been reported in the literature in individuals with ENG-related conditions.

NM_001114753.3(ENG):c.1393A>G (p.Asn465Asp)

Genes: ENG (endoglin; minus strand), LOC102723566 (uncharacterized LOC102723566; plus strand). Cytogenetic location: 9q34.11.
Variant type: single nucleotide variant.
Coding change: c.1393A>G on transcript NM_001114753.3 (MANE Select); coding-DNA position 1393, A replaced by G.
Protein change: p.Asn465Asp; replaces asparagine 465 with aspartic acid.
Molecular consequence: missense variant.
Genome position (GRCh38, 1-based): chr9:127,818,751, T>C on the plus strand (A>G on the coding strand, the complement: ENG is on the minus strand). VCF-style: chr9-127818751-T-C. GRCh37 (hg19) VCF-style: chr9-130581030-T-C.
Other names: c.1393A>G, p.Asn465Asp (NM_000118.4); c.847A>G, p.Asn283Asp (NM_001278138.2); short protein forms N465D, N283D.
Identifiers: ClinVar variation 962005 (VCV000962005.11), dbSNP rs1830397241, ClinGen allele CA374977001.